The following is an entry in ClinVar:

ClinVar aggregate classification (germline): Uncertain significance. Review status: criteria provided, multiple submitters, no conflicts (2 of 4 stars). 2 submissions from 2 submitters: Uncertain significance (2). Last evaluated 2025-10-17.

Conditions:
Inborn genetic diseases. Identifiers: MedGen C0950123, MeSH D030342.

Allele frequency attached by ClinVar (database versions not stated): ExAC 0.00002; gnomAD exomes 0.00001; gnomAD 0.00001; TOPMed 0.00003.
gnomAD v4.1: 9 of 1,613,352 alleles (0.00056%); highest among the groups gnomAD compares: Admixed American, 0.012%; no homozygotes.

Submissions (2):

Labcorp Genetics (formerly Invitae), Labcorp
Classification: Uncertain significance. Last evaluated: 2025-10-17. Review status: criteria provided, single submitter. Criteria: Invitae Variant Classification Sherloc (09022015). Collection method: clinical testing. Allele origin: germline.
Comment: This sequence change replaces lysine, which is basic and polar, with arginine, which is basic and polar, at codon 269 of the ALPK1 protein (p.Lys269Arg). This variant is present in population databases (rs773665387, gnomAD 0.01%). This variant has not been reported in the literature in individuals affected with ALPK1-related conditions. ClinVar contains an entry for this variant (Variation ID: 2905513). Invitae Evidence Modeling of protein sequence and biophysical properties (such as structural, functional, and spatial information, amino acid conservation, physicochemical variation, residue mobility, and thermodynamic stability) indicates that this missense variant is not expected to disrupt ALPK1 protein function with a negative predictive value of 80%. In summary, the available evidence is currently insufficient to determine the role of this variant in disease. Therefore, it has been classified as a Variant of Uncertain Significance.

Ambry Genetics
Classification: Uncertain significance for Inborn genetic diseases. Last evaluated: 2024-11-09. Review status: criteria provided, single submitter. Criteria: Ambry Variant Classification Scheme 2023. Collection method: clinical testing. Allele origin: germline.

NM_025144.4(ALPK1):c.806A>G (p.Lys269Arg)

Gene: ALPK1 (alpha kinase 1; plus strand). Cytogenetic location: 4q25.
Variant type: single nucleotide variant.
Coding change: c.806A>G on transcript NM_025144.4 (MANE Select); coding-DNA position 806, A replaced by G.
Protein change: p.Lys269Arg; replaces lysine 269 with arginine.
Molecular consequence: missense variant.
Genome position (GRCh38, 1-based): chr4:112,429,159, A>G. VCF-style: chr4-112429159-A-G. GRCh37 (hg19) VCF-style: chr4-113350315-A-G.
Other names: c.806A>G (NM_025144.3); c.806A>G, p.Lys269Arg (NM_001102406.2); c.572A>G, p.Lys191Arg (NM_001253884.2); short protein forms K191R, K269R.
Identifiers: ClinVar variation 2905513 (VCV002905513.4), dbSNP rs773665387, ClinGen allele CA3046576.